The following is an entry in ClinVar:

NM_016616.5(NME8):c.845A>G (p.His282Arg)

Gene: NME8 (NME/NM23 family member 8; plus strand). Cytogenetic location: 7p14.1.
Variant type: single nucleotide variant.
Coding change: c.845A>G on transcript NM_016616.5 (MANE Select); coding-DNA position 845, A replaced by G.
Protein change: p.His282Arg; replaces histidine 282 with arginine.
Molecular consequence: missense variant.
Genome position (GRCh38, 1-based): chr7:37,876,858, A>G. VCF-style: chr7-37876858-A-G. GRCh37 (hg19) VCF-style: chr7-37916460-A-G.
Other names: short protein forms H282R.
Identifiers: ClinVar variation 1354867 (VCV001354867.8), dbSNP rs2131960176, ClinGen allele CA367223343.

ClinVar aggregate classification (germline): Uncertain significance (1 of 4 stars; one submission).

Conditions:
Primary ciliary dyskinesia 6. Also called: Primary Ciliary Dyskinesia 6: TXNDC3-Related Primary Ciliary Dyskinesia. Identifiers: Orphanet 244, MedGen C1970506, MONDO:0012571, OMIM 610852.

Submission:

Labcorp Genetics (formerly Invitae), Labcorp
Classification: Uncertain significance for Primary ciliary dyskinesia 6. Last evaluated: 2021-04-16. Review status: criteria provided, single submitter. Criteria: Invitae Variant Classification Sherloc (09022015). Collection method: clinical testing. Allele origin: germline.
Comment: This sequence change replaces histidine with arginine at codon 282 of the NME8 protein (p.His282Arg). The histidine residue is moderately conserved and there is a small physicochemical difference between histidine and arginine. In summary, the available evidence is currently insufficient to determine the role of this variant in disease. Therefore, it has been classified as a Variant of Uncertain Significance. Algorithms developed to predict the effect of missense changes on protein structure and function (SIFT, PolyPhen-2, Align-GVGD) all suggest that this variant is likely to be tolerated, but these predictions have not been confirmed by published functional studies and their clinical significance is uncertain. This variant has not been reported in the literature in individuals with NME8-related conditions. This variant is not present in population databases (ExAC no frequency).